The following is an entry in ClinVar:

ClinVar aggregate classification (germline): Likely benign (1 of 4 stars; one submission).

Conditions:
Oculofaciocardiodental syndrome (MCOPS2). Identifiers: Orphanet 2712, MedGen C1846265, MONDO:0010261, OMIM 300166.

Allele frequency attached by ClinVar (database versions not stated): TOPMed below 0.00001.

Submission:

Victorian Clinical Genetics Services, Murdoch Childrens Research Institute
Classification: Likely benign for Oculofaciocardiodental syndrome. Last evaluated: 2023-07-17. Review status: criteria provided, single submitter. Criteria: ACMG Guidelines, 2015. Collection method: clinical testing. Allele origin: germline. Inheritance: X-linked dominant inheritance. Affected: yes.
Comment: Based on the classification scheme VCGS_Germline_v1.3.4, this variant is classified as Likely benign. Following criteria are met: 0102 - Loss of function is a known mechanism of disease in this gene and is associated with microphthalmia, syndromic 2 (MIM#300166). (I) 0110 - This gene is associated with X-linked dominant disease. (I) 0200 - Variant is predicted to result in a missense amino acid change from serine to threonine. (I) 0253 - This variant is hemizygous. (I) 0302 - Variant is present in gnomAD <0.001 for a dominant condition (v2: 1 heterozygote, 0 homozygotes, 0 hemizygotes). (SP) 0503 - Missense variant consistently predicted to be tolerated by multiple in silico tools or not conserved in placental mammals with a minor amino acid change. (SB) 0604 - Variant is not located in an established domain, motif, hotspot or informative constraint region. (I) 0705 - No comparable missense variants have previous evidence for pathogenicity. (I) 0807 - This variant has no previous evidence of pathogenicity. (I) 0904 - Non-segregation of this variant with the phenotype under investigation has been clearly demonstrated. (SB) 1007 - No published functional evidence has been identified for this variant. (I) Legend: (SP) - Supporting pathogenic, (I) - Information, (SB) - Supporting benign

NM_001123385.2(BCOR):c.473G>C (p.Ser158Thr)

Genes: BCOR (BCL6 corepressor; minus strand), LOC126863239 (MED14-independent group 3 enhancer GRCh37_chrX:39932994-39934193; plus strand). Cytogenetic location: Xp11.4.
Variant type: single nucleotide variant.
Coding change: c.473G>C on transcript NM_001123385.2 (MANE Select); coding-DNA position 473, G replaced by C.
Protein change: p.Ser158Thr; replaces serine 158 with threonine.
Molecular consequence: missense variant.
Genome position (GRCh38, 1-based): chrX:40,074,873, C>G on the plus strand (G>C on the coding strand, the complement: BCOR is on the minus strand). VCF-style: chrX-40074873-C-G. GRCh37 (hg19) VCF-style: chrX-39934126-C-G.
Other names: c.473G>C, p.Ser158Thr (NM_001123383.2, NM_001123384.2, NM_017745.6); short protein forms S158T.
Identifiers: ClinVar variation 3254717 (VCV003254717.1), dbSNP rs1438826637.